The following is an entry in ClinVar:

NC_000019.10:g.39480801C>T

Gene: TIMM50 (translocase of inner mitochondrial membrane 50; plus strand). Cytogenetic location: 19q13.2.
Variant type: single nucleotide variant.
Genome position: GRCh38 VCF-style: chr19-39480801-C-T. GRCh37 (hg19) VCF-style: chr19-39971441-C-T.
Identifiers: ClinVar variation 1488335 (VCV001488335.6), dbSNP rs894634098, ClinGen allele CA308236917.

ClinVar aggregate classification (germline): Uncertain significance (1 of 4 stars; one submission).

Allele frequency attached by ClinVar (database versions not stated): gnomAD exomes below 0.00001 and 0.00003; gnomAD 0.00001; TOPMed 0.00001.

Submission:

Labcorp Genetics (formerly Invitae), Labcorp
Classification: Uncertain significance. Last evaluated: 2022-08-23. Review status: criteria provided, single submitter. Criteria: Invitae Variant Classification Sherloc (09022015). Collection method: clinical testing. Allele origin: germline.
Comment: This sequence change replaces proline with leucine at codon 86 of the TIMM50 protein (p.Pro86Leu). The proline residue is weakly conserved and there is a moderate physicochemical difference between proline and leucine. This variant is present in population databases (no rsID available, gnomAD no frequency). This variant has not been reported in the literature in individuals affected with TIMM50-related conditions. ClinVar contains an entry for this variant (Variation ID: 1488335). Algorithms developed to predict the effect of missense changes on protein structure and function output the following: SIFT: "Not Available"; PolyPhen-2: "Benign"; Align-GVGD: "Not Available". The leucine amino acid residue is found in multiple mammalian species, which suggests that this missense change does not adversely affect protein function. In summary, the available evidence is currently insufficient to determine the role of this variant in disease. Therefore, it has been classified as a Variant of Uncertain Significance.